The following is an entry in ClinVar:

NM_001291303.3(FAT4):c.5363G>T (p.Arg1788Leu)

Gene: FAT4 (FAT atypical cadherin 4; plus strand). Cytogenetic location: 4q28.1.
Variant type: single nucleotide variant.
Coding change: c.5363G>T on transcript NM_001291303.3 (MANE Select); coding-DNA position 5363, G replaced by T.
Protein change: p.Arg1788Leu; replaces arginine 1788 with leucine.
Molecular consequence: missense variant.
Genome position (GRCh38, 1-based): chr4:125,406,935, G>T. VCF-style: chr4-125406935-G-T. GRCh37 (hg19) VCF-style: chr4-126328090-G-T.
Other names: c.5363G>T, p.Arg1788Leu (NM_001291285.3, NM_024582.6); c.5363G>T (NM_024582.4); short protein forms R1788L.
Identifiers: ClinVar variation 3622497 (VCV003622497.4).

ClinVar aggregate classification (germline): Uncertain significance. Review status: criteria provided, multiple submitters, no conflicts (2 of 4 stars). 3 submissions from 3 submitters: Uncertain significance (3). Last evaluated 2025-03-16.

Conditions:
Inborn genetic diseases. Identifiers: MedGen C0950123, MeSH D030342.

gnomAD v4.1: 34 of 1,613,798 alleles (0.0021%); highest among the groups gnomAD compares: Admixed American, 0.0067%; no homozygotes.

Submissions (3):

Ambry Genetics
Classification: Uncertain significance for Inborn genetic diseases. Last evaluated: 2025-03-16. Review status: criteria provided, single submitter. Criteria: Ambry Variant Classification Scheme 2023. Collection method: clinical testing. Allele origin: germline.

Labcorp Genetics (formerly Invitae), Labcorp
Classification: Uncertain significance. Last evaluated: 2024-11-18. Review status: criteria provided, single submitter. Criteria: Invitae Variant Classification Sherloc (09022015). Collection method: clinical testing. Allele origin: germline.
Comment: This sequence change replaces arginine, which is basic and polar, with leucine, which is neutral and non-polar, at codon 1788 of the FAT4 protein (p.Arg1788Leu). This variant is present in population databases (rs200898075, gnomAD 0.003%). This variant has not been reported in the literature in individuals affected with FAT4-related conditions. Invitae Evidence Modeling of protein sequence and biophysical properties (such as structural, functional, and spatial information, amino acid conservation, physicochemical variation, residue mobility, and thermodynamic stability) has been performed for this missense variant. However, the output from this modeling did not meet the statistical confidence thresholds required to predict the impact of this variant on FAT4 protein function. In summary, the available evidence is currently insufficient to determine the role of this variant in disease. Therefore, it has been classified as a Variant of Uncertain Significance.

Blueprint Genetics
Classification: Uncertain significance. Last evaluated: 2018-12-07. Review status: criteria provided, single submitter. Criteria: ACMG Guidelines, 2015. Collection method: clinical testing. Allele origin: germline.